The following is an entry in ClinVar:

ClinVar aggregate classification (germline): Uncertain significance (1 of 4 stars; one submission).

Conditions:
Hereditary cancer-predisposing syndrome. Also called: Tumor predisposition; Hereditary neoplastic syndrome; Neoplastic Syndromes, Hereditary; Hereditary Cancer Syndrome. Identifiers: Orphanet 140162, MedGen C0027672, MeSH D009386, MONDO:0015356.

Submission:

Ambry Genetics
Classification: Uncertain significance for Hereditary cancer-predisposing syndrome. Last evaluated: 2025-05-23. Review status: criteria provided, single submitter. Criteria: Ambry Variant Classification Scheme 2023. Collection method: clinical testing. Allele origin: germline.
Comment: The p.C259R variant (also known as c.775T>C), located in coding exon 3 of the XRCC2 gene, results from a T to C substitution at nucleotide position 775. The cysteine at codon 259 is replaced by arginine, an amino acid with highly dissimilar properties. This amino acid position is conserved. In addition, this alteration is predicted to be tolerated by in silico analysis. Based on the available evidence, the clinical significance of this variant remains unclear.

NM_005431.2(XRCC2):c.775T>C (p.Cys259Arg)

Gene: XRCC2 (X-ray repair cross complementing 2; minus strand). Cytogenetic location: 7q36.1.
Variant type: single nucleotide variant.
Coding change: c.775T>C on transcript NM_005431.2 (MANE Select); coding-DNA position 775, T replaced by C.
Protein change: p.Cys259Arg; replaces cysteine 259 with arginine.
Molecular consequence: missense variant.
Genome position (GRCh38, 1-based): chr7:152,648,710, A>G on the plus strand (T>C on the coding strand, the complement: XRCC2 is on the minus strand). VCF-style: chr7-152648710-A-G. GRCh37 (hg19) VCF-style: chr7-152345795-A-G.
Other names: short protein forms C259R.
Identifiers: ClinVar variation 3982928 (VCV003982928.1).